The following is an entry in ClinVar:

ClinVar aggregate classification (germline): Likely benign. Review status: criteria provided, multiple submitters, no conflicts (2 of 4 stars). 3 submissions from 3 submitters: Likely benign (3). Last evaluated 2026-08-11.

Conditions:
Cardiovascular phenotype. Identifiers: MedGen CN230736.
TTN-related disorder. Also called: TTN-related disorders; TTN-related condition; TTN-related disease.
Dilated cardiomyopathy 1G (CMD1G). Identifiers: Orphanet 154, MedGen C1858763, MONDO:0011400, OMIM 604145.
Autosomal recessive limb-girdle muscular dystrophy type 2J (LGMDR10). Also called: Limb-girdle muscular dystrophy, type 2J; MUSCULAR DYSTROPHY, LIMB-GIRDLE, AUTOSOMAL RECESSIVE 10. Identifiers: Orphanet 140922, MedGen C1837342, MONDO:0012127, OMIM 608807.

Allele frequency attached by ClinVar (database versions not stated): gnomAD 0.00001; gnomAD exomes 0.00001 and 0.00003; TOPMed 0.00001; ExAC 0.00004.
gnomAD v4.1: 15 of 1,518,532 alleles (0.00099%); highest among the groups gnomAD compares: East Asian, 0.014%; no homozygotes.

Submissions (3):

PreventionGenetics, part of Exact Sciences
Classification: Likely benign for TTN-related condition. Last evaluated: 2026-08-11. Review status: criteria provided, single submitter. Criteria: ACMG Guidelines, 2015. Collection method: clinical testing. Allele origin: germline.
Comment: This variant is classified as likely benign based on ACMG/AMP sequence variant interpretation guidelines (Richards et al. 2015 PMID: 25741868, with internal and published modifications).

Labcorp Genetics (formerly Invitae), Labcorp
Classification: Likely benign for Dilated cardiomyopathy 1G; Autosomal recessive limb-girdle muscular dystrophy type 2J. Last evaluated: 2025-12-14. Review status: criteria provided, single submitter. Criteria: Invitae Variant Classification Sherloc (09022015). Collection method: clinical testing. Allele origin: germline.

Ambry Genetics
Classification: Likely benign for Cardiovascular phenotype. Last evaluated: 2022-07-08. Review status: criteria provided, single submitter. Criteria: Ambry Variant Classification Scheme 2023. Collection method: clinical testing. Allele origin: germline.

NM_001267550.2(TTN):c.72714G>A (p.Ser24238=)

Genes: TTN (titin; minus strand), TTN-AS1 (TTN antisense RNA 1; plus strand). Cytogenetic location: 2q31.2.
Variant type: single nucleotide variant.
Coding change: c.72714G>A on transcript NM_001267550.2 (MANE Select); coding-DNA position 72714, G replaced by A.
Protein change: p.Ser24238=; no amino-acid change (serine 24238 retained).
Molecular consequence: synonymous variant.
Genome position (GRCh38, 1-based): chr2:178,573,418, C>T on the plus strand (G>A on the coding strand, the complement: TTN is on the minus strand). VCF-style: chr2-178573418-C-T. GRCh37 (hg19) VCF-style: chr2-179438145-C-T.
Other names: c.67791G>A, p.Ser22597= (NM_001256850.1); c.45519G>A, p.Ser15173= (NM_003319.4); c.65010G>A, p.Ser21670= (NM_133378.4); c.45894G>A, p.Ser15298= (NM_133432.3); c.46095G>A, p.Ser15365= (NM_133437.4).
Identifiers: ClinVar variation 1154710 (VCV001154710.12), dbSNP rs779663528, ClinGen allele CA1990466.